The following is an entry in ClinVar:

ClinVar aggregate classification (germline): Conflicting classifications of pathogenicity. Review status: criteria provided, conflicting classifications (1 of 4 stars). 3 submissions from 3 submitters: Uncertain significance (1); Benign (1); Likely benign (1). Last evaluated 2025-10-07.

Conditions:
Perlman syndrome (PRLMNS). Identifiers: Orphanet 2849, MedGen C0796113, MONDO:0009965, OMIM 267000.

Allele frequency attached by ClinVar (database versions not stated): gnomAD 0.00014; gnomAD exomes 0.00014 and 0.00016; ExAC 0.00015; TOPMed 0.00015; 1000 Genomes Project 30x 0.00016.
gnomAD v4.1: 216 of 1,550,542 alleles (0.014%); highest among the groups gnomAD compares: Middle Eastern, 0.068%; no homozygotes.

Submissions (3):

Labcorp Genetics (formerly Invitae), Labcorp
Classification: Benign for Perlman syndrome. Last evaluated: 2025-10-07. Review status: criteria provided, single submitter. Criteria: Invitae Variant Classification Sherloc (09022015). Collection method: clinical testing. Allele origin: germline.

CeGaT Center for Human Genetics Tuebingen
Classification: Likely benign. Last evaluated: 2025-09-01. Review status: criteria provided, single submitter. Criteria: CeGaT Center For Human Genetics Tuebingen Variant Classification Criteria Version 2. Collection method: clinical testing. Allele origin: germline. Affected: yes. Observed: 4 variant alleles.
Comment: DIS3L2: BP4, BP7

GeneDx
Classification: Uncertain significance. Last evaluated: 2019-07-05. Review status: criteria provided, single submitter. Criteria: GeneDx Variant Classification Process June 2021. Collection method: clinical testing. Allele origin: germline. Affected: yes.
Comment: Has not been previously published as pathogenic or benign to our knowledge; In silico analysis, which includes splice predictors and evolutionary conservation, suggests this variant may impact gene splicing. In the absence of RNA/functional studies, the actual effect of this sequence change is unknown.

NM_152383.5(DIS3L2):c.2409G>T (p.Arg803=)

Gene: DIS3L2 (DIS3 like 3'-5' exoribonuclease 2; plus strand). Cytogenetic location: 2q37.1.
Variant type: single nucleotide variant.
Coding change: c.2409G>T on transcript NM_152383.5 (MANE Select); coding-DNA position 2409, G replaced by T.
Protein change: p.Arg803=; no amino-acid change (arginine 803 retained).
Molecular consequence: synonymous variant. On other transcripts: non-coding transcript variant (2), intron variant (1).
Genome position (GRCh38, 1-based): chr2:232,335,787, G>T. VCF-style: chr2-232335787-G-T. GRCh37 (hg19) VCF-style: chr2-233200497-G-T.
Other names: c.1582-7558G>T (NM_001257281.2).
Identifiers: ClinVar variation 416353 (VCV000416353.34), dbSNP rs148106618, ClinGen allele CA2164546.